The following is an entry in ClinVar:

ClinVar aggregate classification (germline): Uncertain significance (1 of 4 stars; one submission).

Conditions:
RYR1-related disorder. Also called: RYR1-related condition; RYR1-related disorders. Identifiers: MedGen CN239331.

Submission:

Labcorp Genetics (formerly Invitae), Labcorp
Classification: Uncertain significance for RYR1-related disorder. Last evaluated: 2022-09-23. Review status: criteria provided, single submitter. Criteria: Invitae Variant Classification Sherloc (09022015). Collection method: clinical testing. Allele origin: germline.
Comment: In summary, the available evidence is currently insufficient to determine the role of this variant in disease. Therefore, it has been classified as a Variant of Uncertain Significance. Algorithms developed to predict the effect of sequence changes on RNA splicing suggest that this variant may create or strengthen a splice site. This sequence change falls in intron 48 of the RYR1 gene. It does not directly change the encoded amino acid sequence of the RYR1 protein. This variant is not present in population databases (gnomAD no frequency). This variant has not been reported in the literature in individuals affected with RYR1-related conditions.

NM_000540.3(RYR1):c.7836-11T>G

Gene: RYR1 (ryanodine receptor 1; plus strand). Cytogenetic location: 19q13.2.
Variant type: single nucleotide variant.
Coding change: c.7836-11T>G on transcript NM_000540.3 (MANE Select); 11 bases into the intron before coding-DNA position 7836, T replaced by G.
Molecular consequence: intron variant.
Genome position (GRCh38, 1-based): chr19:38,502,869, T>G. VCF-style: chr19-38502869-T-G. GRCh37 (hg19) VCF-style: chr19-38993509-T-G.
Other names: c.7836-11T>G (NM_001042723.2).
Identifiers: ClinVar variation 2024647 (VCV002024647.4), dbSNP rs767749469, ClinGen allele CA2580097217.